The following is an entry in ClinVar:

NM_001267550.2(TTN):c.36202+1G>T

Gene: TTN (titin; minus strand). Cytogenetic location: 2q31.2.
Variant type: single nucleotide variant.
Coding change: c.36202+1G>T on transcript NM_001267550.2 (MANE Select); the canonical splice donor site of the intron after coding-DNA position 36202, G replaced by T.
Molecular consequence: splice donor variant. On other transcripts: intron variant (5).
Genome position (GRCh38, 1-based): chr2:178,664,653, C>A on the plus strand (G>T on the coding strand, the complement: TTN is on the minus strand). VCF-style: chr2-178664653-C-A. GRCh37 (hg19) VCF-style: chr2-179529380-C-A.
Other names: c.13283-22336G>T (NM_003319.4); c.13859-22336G>T (NM_133437.4); c.13658-22336G>T (NM_133432.3); c.31484-1598G>T (NM_133378.4); c.34265-1598G>T (NM_001256850.1).
Identifiers: ClinVar variation 2195940 (VCV002195940.6), dbSNP rs758622001, ClinGen allele CA1997631.

ClinVar aggregate classification (germline): Conflicting classifications of pathogenicity. Review status: criteria provided, conflicting classifications (1 of 4 stars). 3 submissions from 3 submitters: Likely pathogenic (1); Uncertain significance (2). Last evaluated 2026-01-08.

Conditions:
Hypertrophic cardiomyopathy. Also called: HYPERTROPHIC MYOCARDIOPATHY. Identifiers: Orphanet 217569, MedGen C0007194, MeSH D002312, MONDO:0005045, HP:0001639.
Dilated cardiomyopathy 1G (CMD1G). Identifiers: Orphanet 154, MedGen C1858763, MONDO:0011400, OMIM 604145.
Autosomal recessive limb-girdle muscular dystrophy type 2J (LGMDR10). Also called: Limb-girdle muscular dystrophy, type 2J; MUSCULAR DYSTROPHY, LIMB-GIRDLE, AUTOSOMAL RECESSIVE 10. Identifiers: Orphanet 140922, MedGen C1837342, MONDO:0012127, OMIM 608807.

Allele frequency attached by ClinVar (database versions not stated): ExAC 0.00001; TOPMed 0.00002.
gnomAD v4.1: 4 of 1,612,268 alleles (0.00025%); highest among the groups gnomAD compares: Middle Eastern, 0.016%; no homozygotes.

Submissions (3):

Clinical Genetics Laboratory, Skane University Hospital Lund
Classification: Uncertain significance for Hypertrophic cardiomyopathy. Last evaluated: 2026-01-08. Review status: criteria provided, single submitter. Criteria: ACMG Guidelines, 2015. Collection method: clinical testing. Allele origin: germline. Affected: yes.
Comment: ACMG criteria applied: PVS1_moderate, PM2.

Labcorp Genetics (formerly Invitae), Labcorp
Classification: Likely pathogenic for Dilated cardiomyopathy 1G; Autosomal recessive limb-girdle muscular dystrophy type 2J. Last evaluated: 2025-06-29. Review status: criteria provided, single submitter. Criteria: Invitae Variant Classification Sherloc (09022015). Collection method: clinical testing. Allele origin: germline.
Comment: This sequence change affects a donor splice site in intron 167 of the TTN gene. It is expected to disrupt RNA splicing and likely results in a truncated or disrupted TTN protein. This variant is present in population databases (rs758622001, gnomAD 0.0009%). Disruption of this splice site has been observed in individual(s) with autosomal dominant dilated cardiomyopathy (internal data). ClinVar contains an entry for this variant (Variation ID: 2195940). Algorithms developed to predict the effect of sequence changes on RNA splicing suggest that this variant may disrupt the consensus splice site. This variant is located in the I band of TTN (PMID: 25589632). Truncating variants in this region have been reported in individuals affected with autosomal recessive centronuclear myopathy (PMID: 23975875, internal data). Truncating variants in this region have also been identified in individuals affected with autosomal dominant dilated cardiomyopathy and/or cardio-related conditions (PMID: 27869827, 32964742, internal data). In summary, the currently available evidence indicates that the variant is pathogenic, but additional data are needed to prove that conclusively. Therefore, this variant has been classified as Likely Pathogenic.

GeneDx
Classification: Uncertain significance. Last evaluated: 2025-01-21. Review status: criteria provided, single submitter. Criteria: GeneDx Variant Classification Process June 2021. Collection method: clinical testing. Allele origin: germline. Affected: yes.
Comment: Not observed at significant frequency in large population cohorts (gnomAD); Canonical splice site variant with an unclear effect on protein function; Has not been previously published as pathogenic or benign to our knowledge

Literature cited by the submitters: PubMed 25589632 (cited by Labcorp Genetics (formerly Invitae), Labcorp); PubMed 23975875 (cited by Labcorp Genetics (formerly Invitae), Labcorp); PubMed 27869827 (cited by Labcorp Genetics (formerly Invitae), Labcorp); PubMed 32964742 (cited by Labcorp Genetics (formerly Invitae), Labcorp).